The following is an entry in ClinVar:

NM_001377299.1(NDUFS2):c.968G>A (p.Arg323Gln)

Gene: NDUFS2 (NADH:ubiquinone oxidoreductase core subunit S2; plus strand). Cytogenetic location: 1q23.3.
Variant type: single nucleotide variant.
Coding change: c.968G>A on transcript NM_001377299.1 (MANE Select); coding-DNA position 968, G replaced by A.
Protein change: p.Arg323Gln; replaces arginine 323 with glutamine.
Molecular consequence: missense variant. On other transcripts: non-coding transcript variant (1).
Genome position (GRCh38, 1-based): chr1:161,210,692, G>A. VCF-style: chr1-161210692-G-A. GRCh37 (hg19) VCF-style: chr1-161180482-G-A.
Other names: p.R323Q:CGA>CAA; c.968G>A, p.Arg323Gln (NM_001166159.2, NM_001377298.1, NM_001377300.1 and 3 more transcripts); short protein forms R323Q.
Identifiers: ClinVar variation 214787 (VCV000214787.67), dbSNP rs35086265, ClinGen allele CA323026.
Genomic context (GRCh38, chr1:161,210,692, plus strand): 5'-GGAAGACCCAGCCCTATGATGTTTACGACCAGGTTGAGTTTGATGTTCCTGTTGGTTCTC[G>A]AGGGGACTGCTATGATAGGTAAGGCCCCAATCCTTTCTTGGCTGATATTCCAGCTAGTTT-3'
Protein context (NP_001364228.1, residues 313-333): QVEFDVPVGS[Arg323Gln]GDCYDRYLCR

ClinVar aggregate classification (germline): Conflicting classifications of pathogenicity. Review status: criteria provided, conflicting classifications (1 of 4 stars). 8 submissions from 8 submitters: Uncertain significance (1); Benign (2); Likely benign (4). 1 of the submissions does not count toward it. Last evaluated 2026-08-01.

Conditions:
Mitochondrial complex I deficiency, nuclear type 1. Also called: NADH-COENZYME Q REDUCTASE DEFICIENCY; MITOCHONDRIAL NADH DEHYDROGENASE COMPONENT OF COMPLEX I, DEFICIENCY OF. Identifiers: MedGen C6022305, MONDO:0100224, OMIM 252010.
Mitochondrial complex I deficiency, nuclear type 6. Also called: Mitochondrial complex 1 deficiency, nuclear type 6. Identifiers: MedGen C4748759, MONDO:0032611, OMIM 618228.
NDUFS2-related disorder. Also called: NDUFS2-related condition.

Allele frequency attached by ClinVar (database versions not stated): 1000 Genomes Project 30x 0.00265; 1000 Genomes Project 0.00280; TOPMed 0.00370; ExAC 0.00423; ESP Exome Variant Server 0.00431; gnomAD 0.00467 and 0.00477; gnomAD exomes 0.00481 and 0.00522.

Submissions (10):

CeGaT Center for Human Genetics Tuebingen
Classification: Likely benign. Last evaluated: 2026-08-01. Review status: criteria provided, single submitter. Criteria: CeGaT Center For Human Genetics Tuebingen Variant Classification Criteria Version 2. Collection method: clinical testing. Allele origin: germline. Affected: yes. Observed: 18 variant alleles.
Comment: NDUFS2: BP4, BS2

Labcorp Genetics (formerly Invitae), Labcorp
Classification: Benign. Last evaluated: 2026-01-19. Review status: criteria provided, single submitter. Criteria: Invitae Variant Classification Sherloc (09022015). Collection method: clinical testing. Allele origin: germline.

Mendelics
Classification: Likely benign for Mitochondrial complex I deficiency, nuclear type 6. Last evaluated: 2019-05-28. Review status: criteria provided, single submitter. Criteria: Mendelics Assertion Criteria 2017. Collection method: clinical testing. Allele origin: unknown.

ARUP Laboratories, Molecular Genetics and Genomics, ARUP Laboratories
Classification: Benign for Mitochondrial complex I deficiency, nuclear type 6. Last evaluated: 2018-12-15. Review status: criteria provided, single submitter. Criteria: ARUP Molecular Germline Variant Investigation Process. Collection method: clinical testing. Allele origin: germline.

GeneDx
Classification: Likely benign. Last evaluated: 2017-12-21. Review status: criteria provided, single submitter. Criteria: GeneDx Variant Classification (06012015). Collection method: clinical testing. Allele origin: germline. Affected: yes.
Comment: This variant is considered likely benign or benign based on one or more of the following criteria: it is a conservative change, it occurs at a poorly conserved position in the protein, it is predicted to be benign by multiple in silico algorithms, and/or has population frequency not consistent with disease.

Illumina Laboratory Services, Illumina
Classification: Uncertain significance for Mitochondrial complex I deficiency, nuclear type 1. Last evaluated: 2017-04-27. Review status: criteria provided, single submitter. Criteria: ICSL Variant Classification Criteria 13 December 2019. Collection method: clinical testing. Allele origin: germline.
Comment: This variant was observed as part of a predisposition screen in an ostensibly healthy population. A literature search was performed for the gene, cDNA change, and amino acid change (where applicable). Publications were found based on this search. However, the evidence from the literature, in combination with allele frequency data from public databases where available, was not sufficient to rule this variant in or out of causing disease. Therefore, this variant is classified as a variant of unknown significance.

Center for Pediatric Genomic Medicine, Children's Mercy Hospital and Clinics
Classification: Likely benign. Last evaluated: 2016-04-18. Review status: criteria provided, single submitter. Criteria: ACMG Guidelines, 2015. Collection method: clinical testing. Allele origin: germline.
ClinVar note: Converted during submission from Likely Benign to Likely benign.

PreventionGenetics, part of Exact Sciences
Classification: Benign for NDUFS2-related condition. Last evaluated: 2024-06-21. Review status: no assertion criteria provided. Collection method: clinical testing. Allele origin: germline. Not counted in ClinVar's aggregate classification.
Comment: This variant is classified as benign based on ACMG/AMP sequence variant interpretation guidelines (Richards et al. 2015 PMID: 25741868, with internal and published modifications).

Dr. Peter K. Rogan Lab, Western University
No classification provided (evidence only). Condition: Familial cancer of breast. Review status: no classification provided. Collection method: in vitro. Allele origin: not applicable. Functional consequence: retained intron. Not counted in ClinVar's aggregate classification.

Dr. Peter K. Rogan Lab, Western University
No classification provided (evidence only). Condition: Sarcoma. Review status: no classification provided. Collection method: in vitro. Allele origin: not applicable. Functional consequence: retained intron. Not counted in ClinVar's aggregate classification.

Literature cited by the submitters: PubMed 22200994 (cited by Illumina Laboratory Services, Illumina).